The following is an entry in ClinVar:

NM_004614.5(TK2):c.83_85delinsAT (p.Gly28fs)

Genes: TK2 (thymidine kinase 2; minus strand), LOC130059156 (ATAC-STARR-seq lymphoblastoid silent region 7560; plus strand). Cytogenetic location: 16q21.
Variant type: Indel.
Coding change: c.83_85delinsAT on transcript NM_004614.5 (MANE Select); coding-DNA positions 83 to 85, GCC replaced by AT.
Protein change: p.Gly28fs; shifts the reading frame from glycine 28.
Molecular consequence: frameshift variant. On other transcripts: 5 prime UTR variant (2), non-coding transcript variant (1), intron variant (2).
Genome position (GRCh38, 1-based): chr16:66,549,977-66,549,979, GGC replaced by AT on the plus strand (GCC replaced by AT on the coding strand, the reverse complement: TK2 is on the minus strand). VCF-style: chr16-66549977-GGC-AT. GRCh37 (hg19) VCF-style: chr16-66583880-GGC-AT.
Other names: c.83_85delinsAT, p.Gly28fs (NM_001172644.2, NM_001172645.2); c.-160_-158delinsAT (NM_001271934.2); c.-570_-568delinsAT (NM_001272050.2); c.31+274_31+276delinsAT (NM_001271935.1, NM_001172643.1); short protein forms G28fs.
Identifiers: ClinVar variation 3778844 (VCV003778844.2).

ClinVar aggregate classification (germline): Pathogenic (1 of 4 stars; one submission).

Conditions:
Mitochondrial disease. Also called: Mitochondrial disorders; Mitochondrial disorder. Identifiers: Orphanet 68380, MedGen C0751651, MeSH D028361, MONDO:0044970.

Submission:

Genomenon, Inc
Classification: Pathogenic for Mitochondrial disease. Last evaluated: 2025-11-24. Review status: criteria provided, single submitter. Criteria: Genomenon Sequence Variant Interpretation Standards - Updated. Collection method: curation. Allele origin: germline. Affected: yes.
Comment: TK2 p.Gly28AspfsTer25 (c.83_85delinsAT) is a frameshift variant that results in the production of a truncated protein which is predicted to have a deleterious effect on TK2 gene function. It is also described as c.209_211delGCCinsAT and Gly70AspfsX25 in the literature. This variant has been observed in a proband affected with mitochondrial disease, although the zygosity was not specified (21484424). This variant is not present at a significant frequency in gnomAD. In conclusion, we classify TK2 p.Gly28AspfsTer25 (c.83_85delinsAT) as a pathogenic variant.

Literature cited by the submitters: PubMed 21484424.